The following is an entry in ClinVar:

NM_000090.4(COL3A1):c.1333C>T (p.Pro445Ser)

Gene: COL3A1 (collagen type III alpha 1 chain; plus strand). Cytogenetic location: 2q32.2.
Variant type: single nucleotide variant.
Coding change: c.1333C>T on transcript NM_000090.4 (MANE Select); coding-DNA position 1333, C replaced by T.
Protein change: p.Pro445Ser; replaces proline 445 with serine.
Molecular consequence: missense variant.
Genome position (GRCh38, 1-based): chr2:188,994,580, C>T. VCF-style: chr2-188994580-C-T. GRCh37 (hg19) VCF-style: chr2-189859306-C-T.
Other names: short protein forms P445S.
Identifiers: ClinVar variation 1434081 (VCV001434081.10), dbSNP rs1688260053, ClinGen allele CA349851692.

ClinVar aggregate classification (germline): Uncertain significance. Review status: criteria provided, multiple submitters, no conflicts (2 of 4 stars). 4 submissions from 4 submitters: Uncertain significance (4). Last evaluated 2025-03-09.

Conditions:
Ehlers-Danlos syndrome, type 4 (EDSVASC). Also called: Ehlers-Danlos syndrome vascular type; Ehlers Danlos syndrome, ecchymotic type; Ehlers Danlos syndrome, arterial type; Ehlers Danlos syndrome, Sack-Barabas type; Ehlers-Danlos Syndrome Type IV. Identifiers: Orphanet 286, MedGen C0268338, MONDO:0017314, OMIM 130050.
Polymicrogyria with or without vascular-type Ehlers-Danlos syndrome. Identifiers: Orphanet 636941, MedGen C5193040, MONDO:0032688, OMIM 618343.
Familial thoracic aortic aneurysm and aortic dissection (TAAD). Also called: Thoracic aortic aneurysms and dissections. Identifiers: Orphanet 91387, MedGen C4707243, MONDO:0019625.

Allele frequency attached by ClinVar (database versions not stated): TOPMed below 0.00001; gnomAD 0.00001.

Submissions (4):

Labcorp Genetics (formerly Invitae), Labcorp
Classification: Uncertain significance for Ehlers-Danlos syndrome, type 4. Last evaluated: 2025-03-09. Review status: criteria provided, single submitter. Criteria: Invitae Variant Classification Sherloc (09022015). Collection method: clinical testing. Allele origin: germline.
Comment: This sequence change replaces proline, which is neutral and non-polar, with serine, which is neutral and polar, at codon 445 of the COL3A1 protein (p.Pro445Ser). This variant is not present in population databases (gnomAD no frequency). This variant has not been reported in the literature in individuals affected with COL3A1-related conditions. ClinVar contains an entry for this variant (Variation ID: 1434081). Invitae Evidence Modeling of protein sequence and biophysical properties (such as structural, functional, and spatial information, amino acid conservation, physicochemical variation, residue mobility, and thermodynamic stability) indicates that this missense variant is not expected to disrupt COL3A1 protein function with a negative predictive value of 95%. In summary, the available evidence is currently insufficient to determine the role of this variant in disease. Therefore, it has been classified as a Variant of Uncertain Significance.

All of Us Research Program, National Institutes of Health
Classification: Uncertain significance for Ehlers-Danlos syndrome, type 4. Last evaluated: 2023-10-27. Review status: criteria provided, single submitter. Criteria: ACMG Guidelines, 2015. Collection method: clinical testing. Allele origin: germline. Inheritance: Autosomal dominant inheritance. Observed: 1 variant allele, 1 heterozygote.
Comment: This missense variant replaces proline with serine at codon 445 of the COL3A1 protein. Computational prediction suggests that this variant may not impact protein structure and function (internally defined REVEL score threshold <= 0.5, PMID: 27666373). To our knowledge, functional studies have not been reported for this variant. This variant has not been reported in individuals affected with COL3A1-related disorders in the literature. This variant has not been identified in the general population by the Genome Aggregation Database (gnomAD). The available evidence is insufficient to determine the role of this variant in disease conclusively. Therefore, this variant is classified as a Variant of Uncertain Significance.

This study involves interpretation of variants in research participants for the purpose of population health screening. Participant phenotype was not available at the time of variant classification. Additional details can be found in publication PMID: 35346344, PMCID: PMC8962531

Color Diagnostics, LLC DBA Color Health
Classification: Uncertain significance for Familial thoracic aortic aneurysm and aortic dissection. Last evaluated: 2023-04-20. Review status: criteria provided, single submitter. Criteria: ACMG Guidelines, 2015. Collection method: clinical testing. Allele origin: germline.
Comment: This missense variant replaces proline with serine at codon 445 of the COL3A1 protein. Computational prediction suggests that this variant may not impact protein structure and function (internally defined REVEL score threshold <= 0.5, PMID: 27666373). To our knowledge, functional studies have not been reported for this variant. This variant has not been reported in individuals affected with COL3A1-related disorders in the literature. This variant has not been identified in the general population by the Genome Aggregation Database (gnomAD). The available evidence is insufficient to determine the role of this variant in disease conclusively. Therefore, this variant is classified as a Variant of Uncertain Significance.

Fulgent Genetics
Classification: Uncertain significance for Ehlers-Danlos syndrome, type 4; Polymicrogyria with or without vascular-type Ehlers-Danlos syndrome. Last evaluated: 2021-07-05. Review status: criteria provided, single submitter. Criteria: ACMG Guidelines, 2015. Collection method: clinical testing. Allele origin: unknown.